The following is an entry in ClinVar:

NM_000179.3(MSH6):c.362G>A (p.Arg121His)

Gene: MSH6 (mutS homolog 6; plus strand). Cytogenetic location: 2p16.3.
Variant type: single nucleotide variant.
Coding change: c.362G>A on transcript NM_000179.3 (MANE Select); coding-DNA position 362, G replaced by A.
Protein change: p.Arg121His; replaces arginine 121 with histidine.
Molecular consequence: missense variant. On other transcripts: 5 prime UTR variant (2), intron variant (1).
Genome position (GRCh38, 1-based): chr2:47,791,028, G>A. VCF-style: chr2-47791028-G-A. GRCh37 (hg19) VCF-style: chr2-48018167-G-A.
Other names: p.Arg121His; c.-375G>A (NM_001281493.2); c.-541G>A (NM_001281494.2); c.237+7558G>A (NM_001281492.2); short protein forms R121H.
Identifiers: ClinVar variation 427607 (VCV000427607.27), dbSNP rs769279475, ClinGen allele CA071525.

ClinVar aggregate classification (germline): Conflicting classifications of pathogenicity. Review status: criteria provided, conflicting classifications (1 of 4 stars). 12 submissions from 12 submitters: Uncertain significance (10); Likely benign (1). 1 of the submissions does not count toward it. Last evaluated 2025-11-01.

Conditions:
Hereditary cancer-predisposing syndrome. Also called: Neoplastic Syndromes, Hereditary; Tumor predisposition; Hereditary Cancer Syndrome; Hereditary neoplastic syndrome. Identifiers: Orphanet 140162, MedGen C0027672, MeSH D009386, MONDO:0015356.
Lynch-like syndrome.
Breast and/or ovarian cancer. Identifiers: MedGen CN221562.
Endometrial carcinoma. Also called: Endometrial carcinoma, somatic. Identifiers: MedGen C0476089, MONDO:0002447, OMIM 608089, HP:0012114.
Lynch syndrome 5 (LYNCH5). Also called: Colorectal cancer, hereditary nonpolyposis, type 5; Hereditary non-polyposis colorectal cancer, type 5. Identifiers: Orphanet 144, MedGen C1833477, MONDO:0013710, OMIM 614350. Disease mechanism: loss of function.
Mismatch repair cancer syndrome 3. Identifiers: MedGen C5436807, MONDO:0030841, OMIM 619097.
Hereditary nonpolyposis colorectal neoplasms. Identifiers: MedGen C0009405, MeSH D003123.
Lynch syndrome. Identifiers: Orphanet 144, MedGen C4552100, MONDO:0005835. Disease mechanism: loss of function.

Allele frequency attached by ClinVar (database versions not stated): ExAC 0.00002; gnomAD exomes 0.00002; gnomAD 0.00003.
gnomAD v4.1: 27 of 1,614,090 alleles (0.0017%); highest among the groups gnomAD compares: Non-Finnish European, 0.00034%; no homozygotes.

Submissions (12):

Mayo Clinic Laboratories, Mayo Clinic
Classification: Uncertain significance. Last evaluated: 2025-11-01. Review status: criteria provided, single submitter. Criteria: ACMG Guidelines, 2015. Collection method: clinical testing. Allele origin: germline. Observed: 1 variant allele.
Comment: BP4

Labcorp Genetics (formerly Invitae), Labcorp
Classification: Likely benign for Hereditary nonpolyposis colorectal neoplasms. Last evaluated: 2025-09-10. Review status: criteria provided, single submitter. Criteria: Invitae Variant Classification Sherloc (09022015). Collection method: clinical testing. Allele origin: germline.

Baylor Genetics
Classification: Uncertain significance for Endometrial carcinoma. Last evaluated: 2024-02-07. Review status: criteria provided, single submitter. Criteria: ACMG Guidelines, 2015. Collection method: clinical testing. Allele origin: unknown.

Blueprint Genetics
Classification: Uncertain significance. Last evaluated: 2023-12-28. Review status: criteria provided, single submitter. Criteria: ACMG Guidelines, 2015. Collection method: clinical testing. Allele origin: germline.

All of Us Research Program, National Institutes of Health
Classification: Uncertain significance for Lynch syndrome. Last evaluated: 2023-10-30. Review status: criteria provided, single submitter. Criteria: ACMG Guidelines, 2015. Collection method: clinical testing. Allele origin: germline. Inheritance: Autosomal dominant inheritance. Observed: 2 variant alleles, 2 heterozygotes.
Comment: This missense variant replaces arginine with histidine at codon 121 of the MSH6 protein. Computational prediction is inconclusive regarding the impact of this variant on protein structure and function (internally defined REVEL score threshold 0.5 < inconclusive < 0.7, PMID: 27666373). To our knowledge, functional studies have not been reported for this variant. This variant has not been reported in individuals affected with hereditary cancer in the literature. This variant has been identified in 8/282888 chromosomes in the general population by the Genome Aggregation Database (gnomAD). The available evidence is insufficient to determine the role of this variant in disease conclusively. Therefore, this variant is classified as a Variant of Uncertain Significance.

This study involves interpretation of variants in research participants for the purpose of population health screening. Participant phenotype was not available at the time of variant classification. Additional details can be found in publication PMID: 35346344, PMCID: PMC8962531

GeneDx
Classification: Uncertain significance. Last evaluated: 2023-06-13. Review status: criteria provided, single submitter. Criteria: GeneDx Variant Classification Process June 2021. Collection method: clinical testing. Allele origin: germline. Affected: yes.
Comment: In silico analysis supports that this missense variant has a deleterious effect on protein structure/function; Has not been previously published as pathogenic or benign to our knowledge; This variant is associated with the following publications: (PMID: 31857677)

CHEO Genetics Diagnostic Laboratory, Children's Hospital of Eastern Ontario
Classification: Uncertain significance for Breast and/or ovarian cancer. Last evaluated: 2023-04-19. Review status: criteria provided, single submitter. Criteria: ACMG Guidelines, 2015. Collection method: clinical testing. Allele origin: germline.

Color Diagnostics, LLC DBA Color Health
Classification: Uncertain significance for Hereditary cancer-predisposing syndrome. Last evaluated: 2022-05-11. Review status: criteria provided, single submitter. Criteria: ACMG Guidelines, 2015. Collection method: clinical testing. Allele origin: germline.
Comment: This missense variant replaces arginine with histidine at codon 121 of the MSH6 protein. Computational prediction is inconclusive regarding the impact of this variant on protein structure and function (internally defined REVEL score threshold 0.5 < inconclusive < 0.7, PMID: 27666373). To our knowledge, functional studies have not been reported for this variant. This variant has not been reported in individuals affected with hereditary cancer in the literature. This variant has been identified in 8/282888 chromosomes in the general population by the Genome Aggregation Database (gnomAD). The available evidence is insufficient to determine the role of this variant in disease conclusively. Therefore, this variant is classified as a Variant of Uncertain Significance.

Fulgent Genetics
Classification: Uncertain significance for Endometrial carcinoma; Lynch syndrome 5; Mismatch repair cancer syndrome 3. Last evaluated: 2022-04-08. Review status: criteria provided, single submitter. Criteria: ACMG Guidelines, 2015. Collection method: clinical testing. Allele origin: unknown.

Ambry Genetics
Classification: Uncertain significance for Hereditary cancer-predisposing syndrome. Last evaluated: 2022-01-07. Review status: criteria provided, single submitter. Criteria: Ambry Variant Classification Scheme 2023. Collection method: clinical testing. Allele origin: germline.

Institute for Clinical Genetics, University Hospital TU Dresden, University Hospital TU Dresden
Classification: Uncertain significance. Last evaluated: 2021-11-03. Review status: criteria provided, single submitter. Criteria: ACMG Guidelines, 2015. Collection method: clinical testing. Allele origin: germline.

Constitutional Genetics Lab, Leon Berard Cancer Center
Classification: Uncertain significance for Lynch-like syndrome. Last evaluated: 2019-07-01. Review status: no assertion criteria provided. Collection method: clinical testing. Allele origin: somatic. Affected: yes. Observed: 2 variant alleles. Not counted in ClinVar's aggregate classification.

Literature cited by the submitters: PubMed 35430768 (cited by Mayo Clinic Laboratories, Mayo Clinic).